The following is an entry in ClinVar:

ClinVar aggregate classification (germline): Uncertain significance (1 of 4 stars; one submission).

Conditions:
Fanconi anemia (FA). Also called: Fanconi's anemia. Identifiers: Orphanet 84, MedGen C0015625, MeSH D005199, MONDO:0019391.

Submission:

Labcorp Genetics (formerly Invitae), Labcorp
Classification: Uncertain significance for Fanconi anemia. Last evaluated: 2021-08-31. Review status: criteria provided, single submitter. Criteria: Invitae Variant Classification Sherloc (09022015). Collection method: clinical testing. Allele origin: germline.
Comment: This variant, c.4273_4275del, results in the deletion of 1 amino acid(s) of the SLX4 protein (p.Asp1425del), but otherwise preserves the integrity of the reading frame. The frequency data for this variant in the population databases is considered unreliable, as metrics indicate poor data quality at this position in the ExAC database. This variant has not been reported in the literature in individuals affected with SLX4-related conditions. Experimental studies and prediction algorithms are not available or were not evaluated, and the functional significance of this variant is currently unknown. In summary, the available evidence is currently insufficient to determine the role of this variant in disease. Therefore, it has been classified as a Variant of Uncertain Significance.

NM_032444.4(SLX4):c.4270GAC[1] (p.Asp1425del)

Gene: SLX4 (SLX4 structure-specific endonuclease subunit; minus strand). Cytogenetic location: 16p13.3.
Variant type: Microsatellite.
Coding change: c.4270GAC[1] on transcript NM_032444.4 (MANE Select); one copy of the 3-base unit GAC starting at c.4270; the reference has two copies in a row; one copy, 3 bases deleted.
Protein change: p.Asp1425del; deletes aspartic acid 1425.
Molecular consequence: inframe deletion.
Genome position (GRCh38, 1-based): chr16:3,589,363-3,589,365, GTC deleted on the plus strand (GAC on the coding strand, the reverse complement: SLX4 is on the minus strand); deleting any 3 consecutive bases within chr16:3,589,363-3,589,368 gives the same sequence; the position shown is the placement nearest the transcript's 3' end. VCF-style (leftmost placement, unchanged base first): chr16-3589362-AGTC-A. GRCh37 (hg19) VCF-style: chr16-3639363-AGTC-A.
Other names: short protein forms D1425del.
Identifiers: ClinVar variation 963063 (VCV000963063.7), dbSNP rs755109579, ClinGen allele CA7865695.